The following is an entry in ClinVar:

ClinVar aggregate classification (germline): Uncertain significance. Review status: criteria provided, multiple submitters, no conflicts (2 of 4 stars). 2 submissions from 2 submitters: Uncertain significance (2). Last evaluated 2026-03-12.

Conditions:
KIF11-related disorder. Also called: KIF11-related condition.

Allele frequency attached by ClinVar (database versions not stated): gnomAD exomes below 0.00001.
gnomAD v4.1: 4 of 1,613,878 alleles (0.00025%); highest among the groups gnomAD compares: Non-Finnish European, 0.00034%; no homozygotes.

Submissions (2):

PreventionGenetics, part of Exact Sciences
Classification: Uncertain significance for KIF11-related condition. Last evaluated: 2026-03-12. Review status: criteria provided, single submitter. Criteria: ACMG Guidelines, 2015. Collection method: clinical testing. Allele origin: germline.
Comment: The KIF11 c.1562A>T variant is predicted to result in the amino acid substitution p.Lys521Met. To our knowledge, this variant has not been reported in the literature or in a large population database (gnomAD), indicating this variant is rare. At this time, the clinical significance of this variant is uncertain due to the absence of conclusive functional and genetic evidence.

Labcorp Genetics (formerly Invitae), Labcorp
Classification: Uncertain significance. Last evaluated: 2022-02-19. Review status: criteria provided, single submitter. Criteria: Invitae Variant Classification Sherloc (09022015). Collection method: clinical testing. Allele origin: germline.
Comment: This sequence change replaces lysine, which is basic and polar, with methionine, which is neutral and non-polar, at codon 521 of the KIF11 protein (p.Lys521Met). This variant is not present in population databases (gnomAD no frequency). This variant has not been reported in the literature in individuals affected with KIF11-related conditions. Algorithms developed to predict the effect of missense changes on protein structure and function are either unavailable or do not agree on the potential impact of this missense change (SIFT: "Deleterious"; PolyPhen-2: "Benign"; Align-GVGD: "Class C35"). In summary, the available evidence is currently insufficient to determine the role of this variant in disease. Therefore, it has been classified as a Variant of Uncertain Significance.

NM_004523.4(KIF11):c.1562A>T (p.Lys521Met)

Gene: KIF11 (kinesin family member 11; plus strand). Cytogenetic location: 10q23.33.
Variant type: single nucleotide variant.
Coding change: c.1562A>T on transcript NM_004523.4 (MANE Select); coding-DNA position 1562, A replaced by T.
Protein change: p.Lys521Met; replaces lysine 521 with methionine.
Molecular consequence: missense variant.
Genome position (GRCh38, 1-based): chr10:92,632,553, A>T. VCF-style: chr10-92632553-A-T. GRCh37 (hg19) VCF-style: chr10-94392310-A-T.
Other names: c.1562A>T (NM_004523.3); short protein forms K521M.
Identifiers: ClinVar variation 1956049 (VCV001956049.6), dbSNP rs1844750010, ClinGen allele CA377592179.